The following is an entry in ClinVar:

NM_000059.4(BRCA2):c.5637G>T (p.Glu1879Asp)

Gene: BRCA2 (BRCA2 DNA repair associated; plus strand). Cytogenetic location: 13q13.1.
Variant type: single nucleotide variant.
Coding change: c.5637G>T on transcript NM_000059.4 (MANE Select); coding-DNA position 5637, G replaced by T.
Protein change: p.Glu1879Asp; replaces glutamic acid 1879 with aspartic acid.
Molecular consequence: missense variant.
Genome position (GRCh38, 1-based): chr13:32,339,992, G>T. VCF-style: chr13-32339992-G-T. GRCh37 (hg19) VCF-style: chr13-32914129-G-T.
Other names: short protein forms E1879D.
Identifiers: ClinVar variation 825860 (VCV000825860.13), dbSNP rs1057521044, ClinGen allele CA387786136.
Genomic context (GRCh38, chr13:32,339,992, plus strand): 5'-TAAAAAAGTGAAAGACATATTTACAGACAGTTTCAGTAAAGTAATTAAGGAAAACAACGA[G>T]AATAAATCAAAAATTTGCCAAACGAAAATTATGGCAGGTTGTTACGAGGCATTGGATGAT-3'
Protein context (NP_000050.3, residues 1869-1889): SFSKVIKENN[Glu1879Asp]NKSKICQTKI

ClinVar aggregate classification (germline): Conflicting classifications of pathogenicity. Review status: criteria provided, conflicting classifications (1 of 4 stars). 4 submissions from 4 submitters: Uncertain significance (3); Likely benign (1). Last evaluated 2023-03-23.

Conditions:
Hereditary cancer-predisposing syndrome. Also called: Neoplastic Syndromes, Hereditary; Tumor predisposition; Hereditary neoplastic syndrome; Hereditary Cancer Syndrome. Identifiers: Orphanet 140162, MedGen C0027672, MeSH D009386, MONDO:0015356.
Hereditary breast ovarian cancer syndrome. Also called: Hereditary breast and ovarian cancer syndrome; Hereditary breast and ovarian cancer; Hereditary breast and ovarian cancer syndrome (HBOC); Breast and ovarian cancer; Hereditary breast and/or ovarian cancer syndrome; BRCA1- and BRCA2-Associated Hereditary Breast and Ovarian Cancer. Identifiers: Orphanet 145, MedGen C0677776, MeSH D061325, MONDO:0003582. Disease mechanism: loss of function.

Submissions (4):

University of Washington Department of Laboratory Medicine, University of Washington
Classification: Likely benign for Hereditary cancer-predisposing syndrome. Last evaluated: 2023-03-23. Review status: criteria provided, single submitter. Criteria: Dines et al. (Genet Med. 2020). Collection method: curation. Allele origin: germline.
Comment: Missense variant in a coldspot region where missense variants are very unlikely to be pathogenic (PMID:31911673).

BRCA2 exon 11 coldspot. Reclassification based on statistical prior probability.

Labcorp Genetics (formerly Invitae), Labcorp
Classification: Uncertain significance for Hereditary breast ovarian cancer syndrome. Last evaluated: 2021-12-20. Review status: criteria provided, single submitter. Criteria: Invitae Variant Classification Sherloc (09022015). Collection method: clinical testing. Allele origin: germline.
Comment: This sequence change replaces glutamic acid, which is acidic and polar, with aspartic acid, which is acidic and polar, at codon 1879 of the BRCA2 protein (p.Glu1879Asp). This variant is not present in population databases (gnomAD no frequency). This variant has not been reported in the literature in individuals affected with BRCA2-related conditions. ClinVar contains an entry for this variant (Variation ID: 825860). Advanced modeling of protein sequence and biophysical properties (such as structural, functional, and spatial information, amino acid conservation, physicochemical variation, residue mobility, and thermodynamic stability) performed at Invitae indicates that this missense variant is not expected to disrupt BRCA2 protein function. In summary, the available evidence is currently insufficient to determine the role of this variant in disease. Therefore, it has been classified as a Variant of Uncertain Significance.

GeneDx
Classification: Uncertain significance. Last evaluated: 2019-10-23. Review status: criteria provided, single submitter. Criteria: GeneDx Variant Classification Process June 2021. Collection method: clinical testing. Allele origin: germline. Affected: yes.
Comment: Not observed in large population cohorts (Lek 2016); In silico analysis, which includes protein predictors and evolutionary conservation, supports a deleterious effect; Has not been previously published as pathogenic or benign to our knowledge; This variant is associated with the following publications: (PMID: 28591715)

Ambry Genetics
Classification: Uncertain significance for Hereditary cancer-predisposing syndrome. Last evaluated: 2019-01-02. Review status: criteria provided, single submitter. Criteria: Ambry Variant Classification Scheme 2023. Collection method: clinical testing. Allele origin: germline.
Comment: The p.E1879D variant (also known as c.5637G>T), located in coding exon 10 of the BRCA2 gene, results from a G to T substitution at nucleotide position 5637. The glutamic acid at codon 1879 is replaced by aspartic acid, an amino acid with highly similar properties. This amino acid position is not well conserved in available vertebrate species. In addition, the in silico prediction for this alteration is inconclusive. Since supporting evidence is limited at this time, the clinical significance of this alteration remains unclear.

Literature cited by the submitters: PubMed 28591715 (cited by Ambry Genetics).